The following is an entry in ClinVar:

ClinVar aggregate classification (germline): Conflicting classifications of pathogenicity. Review status: criteria provided, conflicting classifications (1 of 4 stars). 3 submissions from 3 submitters: Pathogenic (1); Likely pathogenic (1); Uncertain significance (1). Last evaluated 2024-12-11.

Conditions:
Cardiac malformation, cleft lip/palate, microcephaly, and digital anomalies. Also called: CLEFT PALATE, CARDIAC DEFECTS, AND IMPAIRED INTELLECTUAL DEVELOPMENT. Identifiers: MedGen C1832950, MONDO:0010970, OMIM 600987.

Submissions (3):

GeneDx
Classification: Pathogenic. Last evaluated: 2024-12-11. Review status: criteria provided, single submitter. Criteria: GeneDx Variant Classification Process June 2021. Collection method: clinical testing. Allele origin: germline. Affected: yes.
Comment: Identified as de novo in an individual with congenital diaphragmatic hernia in published literature; but this patient, who also harbored a de novo variant in another gene, was not reported to have other clinical features (PMID: 32719394); Not observed at significant frequency in large population cohorts (gnomAD); In silico analysis supports that this missense variant has a deleterious effect on protein structure/function; This variant is associated with the following publications: (PMID: 34547244, 32719394)

Blueprint Genetics
Classification: Uncertain significance. Last evaluated: 2024-03-07. Review status: criteria provided, single submitter. Criteria: ACMG Guidelines, 2015. Collection method: clinical testing. Allele origin: germline.

MVZ Martinsried, Medicover Genetics
Classification: Likely pathogenic for Cardiac malformation, cleft lip/palate, microcephaly, and digital anomalies. Last evaluated: 2022-11-15. Review status: criteria provided, single submitter. Criteria: ACGS Guidelines, 2020. Collection method: clinical testing. Allele origin: de novo. Affected: yes.

NM_170675.5(MEIS2):c.916G>A (p.Glu306Lys)

Gene: MEIS2 (Meis homeobox 2; minus strand). Cytogenetic location: 15q14.
Variant type: single nucleotide variant.
Coding change: c.916G>A on transcript NM_170675.5 (MANE Select); coding-DNA position 916, G replaced by A.
Protein change: p.Glu306Lys; replaces glutamic acid 306 with lysine.
Molecular consequence: missense variant.
Genome position (GRCh38, 1-based): chr15:36,950,385, C>T on the plus strand (G>A on the coding strand, the complement: MEIS2 is on the minus strand). VCF-style: chr15-36950385-C-T. GRCh37 (hg19) VCF-style: chr15-37242586-C-T.
Other names: c.916G>A, p.Glu306Lys (NM_001220482.2, NM_170674.5, NM_170676.5 and 1 more transcripts); c.877G>A, p.Glu293Lys (NM_002399.4, NM_172315.3); c.652G>A, p.Glu218Lys (NM_172316.3); short protein forms E218K, E293K, E306K.
Identifiers: ClinVar variation 1693101 (VCV001693101.6), dbSNP rs2141389824, ClinGen allele CA391927156.